The following is an entry in ClinVar:

ClinVar aggregate classification (germline): Uncertain significance. Review status: criteria provided, multiple submitters, no conflicts (2 of 4 stars). 2 submissions from 2 submitters: Uncertain significance (2). Last evaluated 2026-07-30.

Conditions:
Renal cell carcinoma. Identifiers: Orphanet 217071, MedGen C0007134, MeSH D002292, MONDO:0005086, HP:0005584.
Hereditary cancer-predisposing syndrome. Also called: Neoplastic Syndromes, Hereditary; Hereditary Cancer Syndrome; Tumor predisposition; Hereditary neoplastic syndrome. Identifiers: Orphanet 140162, MedGen C0027672, MeSH D009386, MONDO:0015356.

Allele frequency attached by ClinVar (database versions not stated): gnomAD exomes below 0.00001.
gnomAD v4.1: 1 of 1,614,128 alleles (0.000062%); highest among the groups gnomAD compares: Non-Finnish European, 0.000085%; no homozygotes.

Submissions (2):

Ambry Genetics
Classification: Uncertain significance for Hereditary cancer-predisposing syndrome. Last evaluated: 2026-07-30. Review status: criteria provided, single submitter. Criteria: Ambry Variant Classification Scheme 2023. Collection method: clinical testing. Allele origin: germline.
Comment: The p.S615N variant (also known as c.1844G>A), located in coding exon 5 of the MET gene, results from a G to A substitution at nucleotide position 1844. The serine at codon 615 is replaced by asparagine, an amino acid with highly similar properties. This amino acid position is conserved. In addition, this alteration is predicted to be tolerated by in silico analysis. Based on the available evidence, the clinical significance of this variant remains unclear.

Labcorp Genetics (formerly Invitae), Labcorp
Classification: Uncertain significance for Renal cell carcinoma. Last evaluated: 2024-12-02. Review status: criteria provided, single submitter. Criteria: Invitae Variant Classification Sherloc (09022015). Collection method: clinical testing. Allele origin: germline.
Comment: This sequence change replaces serine, which is neutral and polar, with asparagine, which is neutral and polar, at codon 615 of the MET protein (p.Ser615Asn). This variant is not present in population databases (gnomAD no frequency). This variant has not been reported in the literature in individuals affected with MET-related conditions. ClinVar contains an entry for this variant (Variation ID: 953859). Invitae Evidence Modeling of protein sequence and biophysical properties (such as structural, functional, and spatial information, amino acid conservation, physicochemical variation, residue mobility, and thermodynamic stability) indicates that this missense variant is not expected to disrupt MET protein function with a negative predictive value of 80%. In summary, the available evidence is currently insufficient to determine the role of this variant in disease. Therefore, it has been classified as a Variant of Uncertain Significance.

NM_000245.4(MET):c.1844G>A (p.Ser615Asn)

Gene: MET (MET proto-oncogene, receptor tyrosine kinase; plus strand). Cytogenetic location: 7q31.2.
Variant type: single nucleotide variant.
Coding change: c.1844G>A on transcript NM_000245.4 (MANE Select); coding-DNA position 1844, G replaced by A.
Protein change: p.Ser615Asn; replaces serine 615 with asparagine.
Molecular consequence: missense variant.
Genome position (GRCh38, 1-based): chr7:116,755,497, G>A. VCF-style: chr7-116755497-G-A. GRCh37 (hg19) VCF-style: chr7-116395551-G-A.
Other names: c.1844G>A, p.Ser615Asn (NM_001127500.3, NM_001324401.3); c.554G>A, p.Ser185Asn (NM_001324402.2); short protein forms S185N, S615N.
Identifiers: ClinVar variation 953859 (VCV000953859.10), dbSNP rs1794144964, ClinGen allele CA368978274.
Genomic context (GRCh38, chr7:116,755,497, plus strand): 5'-AATTTGATTTAAAGAAAACTAGAGTTCTCCTTGGAAATGAGAGCTGCACCTTGACTTTAA[G>A]TGAGAGCACGATGAATACGTAAGGATCTTAAAATGCTTTGCTGGGGTGTGCTTGGAAAAT-3'
Protein context (NP_000236.2, residues 605-625): LGNESCTLTL[Ser615Asn]ESTMNTLKCT